The following is an entry in ClinVar:

NM_001165963.4(SCN1A):c.1883C>A (p.Ser628Ter)

Gene: SCN1A (sodium voltage-gated channel alpha subunit 1; minus strand). Cytogenetic location: 2q24.3.
Variant type: single nucleotide variant.
Coding change: c.1883C>A on transcript NM_001165963.4 (MANE Select); coding-DNA position 1883, C replaced by A.
Protein change: p.Ser628Ter; replaces serine 628 with a stop codon.
Molecular consequence: nonsense. On other transcripts: 5 prime UTR variant (1), non-coding transcript variant (1).
Genome position (GRCh38, 1-based): chr2:166,043,829, G>T on the plus strand (C>A on the coding strand, the complement: SCN1A is on the minus strand). VCF-style: chr2-166043829-G-T. GRCh37 (hg19) VCF-style: chr2-166900339-G-T.
Other names: c.1883C>A, p.Ser628Ter (NM_001165964.3, NM_001202435.3, NM_001353948.2 and 7 more transcripts); c.1880C>A, p.Ser627Ter (NM_001353954.2, NM_001353955.2, NM_001353960.2); c.-543C>A (NM_001353961.2); c.1883C>A (NM_001165963.2); short protein forms S627*, S628*.
Identifiers: ClinVar variation 947428 (VCV000947428.12), dbSNP rs1697440060, ClinGen allele CA349067369.

ClinVar aggregate classification (germline): Pathogenic. Review status: criteria provided, multiple submitters, no conflicts (2 of 4 stars). 2 submissions from 2 submitters: Pathogenic (2). Last evaluated 2024-09-21.

Conditions:
Severe myoclonic epilepsy in infancy (DRVT). Also called: SEVERE MYOCLONIC EPILEPSY OF INFANCY; Dravet syndrome; Epileptic encephalopathy, early infantile, 6 (Dravet syndrome); DEVELOPMENTAL AND EPILEPTIC ENCEPHALOPATHY 6A; Severe Myoclonic Epilepsy in Infancy (SMEI). Identifiers: Orphanet 33069, MedGen C0751122, MONDO:0100135, OMIM 607208.
Early-infantile DEE. Also called: Early infantile epileptic encephalopathy; Early infantile epileptic encephalopathy with suppression bursts; Ohtahara syndrome. Identifiers: Orphanet 1934, MedGen C0393706, MONDO:0800491.

Submissions (2):

Victorian Clinical Genetics Services, Murdoch Childrens Research Institute
Classification: Pathogenic for Severe myoclonic epilepsy in infancy. Last evaluated: 2024-09-21. Review status: criteria provided, single submitter. Criteria: ACMG Guidelines, 2015. Collection method: clinical testing. Allele origin: germline. Inheritance: Autosomal dominant inheritance. Affected: yes.
Comment: Based on the classification scheme VCGS_Germline_v1.3.4, this variant is classified as Pathogenic. Following criteria are met: 0103 - Loss of function and gain of function are known mechanisms of disease in this gene and are associated with SCN1A-related epilepsy (PMID: 28488083). (I) 0107 - This gene is associated with autosomal dominant disease. (I) 0112 - The condition associated with this gene has incomplete penetrance. Reduced penetrance has been described for generalized epilepsy with febrile seizures plus, type 2 (MIM#604403) (PMID: 20301494). (I) 0115 - Variants in this gene are known to have variable expressivity. Inter-familial and intra-familial variable expressivity has been observed (PMID: 20301494). (I) 0201 - Variant is predicted to cause nonsense-mediated decay (NMD) and loss of protein (premature termination codon is located at least 54 nucleotides upstream of the final exon-exon junction). (SP) 0251 - This variant is heterozygous. (I) 0301 - Variant is absent from gnomAD (both v2 and v3). (SP) 0701 - Other NMD predicted variants comparable to the one identified in this case have very strong previous evidence for pathogenicity (DECIPHER). (SP) 0807 - This variant has no previous evidence of pathogenicity. (I) 0905 - No published segregation evidence has been identified for this variant. (I) 1007 - No published functional evidence has been identified for this variant. (I) 1208 - Inheritance information for this variant is not currently available in this individual. (I) Legend: (SP) - Supporting pathogenic, (I) - Information, (SB) - Supporting benign

Labcorp Genetics (formerly Invitae), Labcorp
Classification: Pathogenic for Early-infantile DEE. Last evaluated: 2020-08-26. Review status: criteria provided, single submitter. Criteria: Invitae Variant Classification Sherloc (09022015). Collection method: clinical testing. Allele origin: germline.
Comment: For these reasons, this variant has been classified as Pathogenic. Loss-of-function variants in SCN1A are known to be pathogenic (PMID: 17347258, 18930999). This variant has not been reported in the literature in individuals with SCN1A-related conditions. This variant is not present in population databases (ExAC no frequency). This sequence change creates a premature translational stop signal (p.Ser628*) in the SCN1A gene. It is expected to result in an absent or disrupted protein product.

Literature cited by the submitters: PubMed 20301494 (cited by Victorian Clinical Genetics Services, Murdoch Childrens Research Institute); PubMed 28488083 (cited by Victorian Clinical Genetics Services, Murdoch Childrens Research Institute); PubMed 17347258 (cited by Labcorp Genetics (formerly Invitae), Labcorp); PubMed 18930999 (cited by Labcorp Genetics (formerly Invitae), Labcorp).